The following is an entry in ClinVar:

ClinVar aggregate classification (germline): Uncertain significance (1 of 4 stars; one submission).

Submission:

Labcorp Genetics (formerly Invitae), Labcorp
Classification: Uncertain significance. Last evaluated: 2022-06-30. Review status: criteria provided, single submitter. Criteria: Invitae Variant Classification Sherloc (09022015). Collection method: clinical testing. Allele origin: germline.
Comment: In summary, the available evidence is currently insufficient to determine the role of this variant in disease. Therefore, it has been classified as a Variant of Uncertain Significance. Algorithms developed to predict the effect of missense changes on protein structure and function are either unavailable or do not agree on the potential impact of this missense change (SIFT: "Not Available"; PolyPhen-2: "Benign"; Align-GVGD: "Not Available"). This variant has not been reported in the literature in individuals affected with HYOU1-related conditions. This variant is not present in population databases (gnomAD no frequency). This sequence change replaces threonine, which is neutral and polar, with alanine, which is neutral and non-polar, at codon 750 of the HYOU1 protein (p.Thr750Ala).

NM_006389.5(HYOU1):c.2248A>G (p.Thr750Ala)

Gene: HYOU1 (hypoxia up-regulated 1; minus strand). Cytogenetic location: 11q23.3.
Variant type: single nucleotide variant.
Coding change: c.2248A>G on transcript NM_006389.5 (MANE Select); coding-DNA position 2248, A replaced by G.
Protein change: p.Thr750Ala; replaces threonine 750 with alanine.
Molecular consequence: missense variant.
Genome position (GRCh38, 1-based): chr11:119,048,481, T>C on the plus strand (A>G on the coding strand, the complement: HYOU1 is on the minus strand). VCF-style: chr11-119048481-T-C. GRCh37 (hg19) VCF-style: chr11-118919193-T-C.
Other names: c.2248A>G, p.Thr750Ala (NM_001130991.3, NM_001411041.1); short protein forms T750A.
Identifiers: ClinVar variation 1938955 (VCV001938955.5), dbSNP rs2497119910, ClinGen allele CA382925568.